The following is an entry in ClinVar:

ClinVar aggregate classification (germline): Likely benign (0 of 4 stars; one submission).

Conditions:
KNG1-related disorder. Also called: KNG1-related condition.

Allele frequency attached by ClinVar (database versions not stated): gnomAD 0.00001; TOPMed 0.00002; gnomAD exomes 0.00003; ExAC 0.00006; 1000 Genomes Project 30x 0.00016; 1000 Genomes Project 0.00020.

Submission:

PreventionGenetics, part of Exact Sciences
Classification: Likely benign for KNG1-related condition. Last evaluated: 2020-01-20. Review status: no assertion criteria provided. Collection method: clinical testing. Allele origin: germline.
Comment: This variant is classified as likely benign based on ACMG/AMP sequence variant interpretation guidelines (Richards et al. 2015 PMID: 25741868, with internal and published modifications).

NM_001102416.3(KNG1):c.159G>A (p.Gln53=)

Gene: KNG1 (kininogen 1; plus strand). Cytogenetic location: 3q27.3.
Variant type: single nucleotide variant.
Coding change: c.159G>A on transcript NM_001102416.3 (MANE Select); coding-DNA position 159, G replaced by A.
Protein change: p.Gln53=; no amino-acid change (glutamine 53 retained).
Molecular consequence: synonymous variant.
Genome position (GRCh38, 1-based): chr3:186,717,701, G>A. VCF-style: chr3-186717701-G-A. GRCh37 (hg19) VCF-style: chr3-186435490-G-A.
Other names: c.159G>A, p.Gln53= (NM_000893.4, NM_001166451.2).
Identifiers: ClinVar variation 3052145 (VCV003052145.2), dbSNP rs199608267, ClinGen allele CA2746020.